The following is an entry in ClinVar:

ClinVar aggregate classification (germline): Uncertain significance. Review status: criteria provided, single submitter (1 of 4 stars). 2 submissions from 2 submitters: Uncertain significance (1). 1 of the submissions does not count toward it. Last evaluated 2022-07-06.

Conditions:
Meniere disease. Also called: Ménière's disease. Identifiers: MedGen C0025281, MONDO:0007972, OMIM 156000.

Allele frequency attached by ClinVar (database versions not stated): ExAC 0.00001; gnomAD 0.00001; gnomAD exomes 0.00002 and 0.00003; TOPMed 0.00002.
gnomAD v4.1: 43 of 1,613,374 alleles (0.0027%); highest among the groups gnomAD compares: East Asian, 0.0045%; no homozygotes.

Submissions (2):

Labcorp Genetics (formerly Invitae), Labcorp
Classification: Uncertain significance. Last evaluated: 2022-07-06. Review status: criteria provided, single submitter. Criteria: Invitae Variant Classification Sherloc (09022015). Collection method: clinical testing. Allele origin: germline.
Comment: This sequence change replaces glutamic acid, which is acidic and polar, with lysine, which is basic and polar, at codon 1627 of the MPDZ protein (p.Glu1627Lys). This variant is present in population databases (rs772598863, gnomAD 0.003%). This variant has not been reported in the literature in individuals affected with MPDZ-related conditions. ClinVar contains an entry for this variant (Variation ID: 1504265). Algorithms developed to predict the effect of missense changes on protein structure and function (SIFT, PolyPhen-2, Align-GVGD) all suggest that this variant is likely to be disruptive. In summary, the available evidence is currently insufficient to determine the role of this variant in disease. Therefore, it has been classified as a Variant of Uncertain Significance.

Center for Computational Biology & Bioinformatics, University of California, San Diego
Classification: Uncertain significance for Meniere disease. Last evaluated: 2024-06-03. Review status: no assertion criteria provided. Collection method: research. Allele origin: germline. Affected: yes. Not counted in ClinVar's aggregate classification.

NM_001378778.1(MPDZ):c.4879G>A (p.Glu1627Lys)

Gene: MPDZ (multiple PDZ domain crumbs cell polarity complex component; minus strand). Cytogenetic location: 9p23.
Variant type: single nucleotide variant.
Coding change: c.4879G>A on transcript NM_001378778.1 (MANE Select); coding-DNA position 4879, G replaced by A.
Protein change: p.Glu1627Lys; replaces glutamic acid 1627 with lysine.
Molecular consequence: missense variant.
Genome position (GRCh38, 1-based): chr9:13,123,227, C>T on the plus strand (G>A on the coding strand, the complement: MPDZ is on the minus strand). VCF-style: chr9-13123227-C-T. GRCh37 (hg19) VCF-style: chr9-13123226-C-T.
Other names: c.4780G>A, p.Glu1594Lys (NM_001261406.2, NM_001261407.2, NM_001375416.1 and 3 more transcripts); c.4879G>A, p.Glu1627Lys (NM_001330637.2, NM_003829.5); c.4978G>A, p.Glu1660Lys (NM_001375413.1); c.4669G>A, p.Glu1557Lys (NM_001375420.1, NM_001375421.1, NM_001375422.1 and 4 more transcripts); c.4471G>A, p.Glu1491Lys (NM_001375427.1); short protein forms E1557K, E1660K, E1491K, E1594K, E1627K.
Identifiers: ClinVar variation 1504265 (VCV001504265.6), dbSNP rs772598863, ClinGen allele CA4986538.